The following is an entry in ClinVar:

ClinVar aggregate classification (germline): Benign/Likely benign. Review status: criteria provided, multiple submitters, no conflicts (2 of 4 stars). 3 submissions from 3 submitters: Benign (1); Likely benign (1). 1 of the submissions does not count toward it. Last evaluated 2025-09-08.

Conditions:
MPDZ-related disorder. Also called: MPDZ-related condition.

Allele frequency attached by ClinVar (database versions not stated): gnomAD 0.00001 and 0.00013; TOPMed 0.00004; gnomAD exomes 0.00022 and 0.00040; 1000 Genomes Project 0.00040; ExAC 0.00044; 1000 Genomes Project 30x 0.00047.
gnomAD v4.1: 354 of 1,613,026 alleles (0.022%); highest among the groups gnomAD compares: South Asian, 0.36%; 3 homozygotes.

Submissions (3):

Labcorp Genetics (formerly Invitae), Labcorp
Classification: Benign. Last evaluated: 2025-09-08. Review status: criteria provided, single submitter. Criteria: Invitae Variant Classification Sherloc (09022015). Collection method: clinical testing. Allele origin: germline.

Blueprint Genetics
Classification: Likely benign. Last evaluated: 2023-12-15. Review status: criteria provided, single submitter. Criteria: ACMG Guidelines, 2015. Collection method: clinical testing. Allele origin: germline.

PreventionGenetics, part of Exact Sciences
Classification: Likely benign for MPDZ-related condition. Last evaluated: 2024-09-23. Review status: no assertion criteria provided. Collection method: clinical testing. Allele origin: germline. Not counted in ClinVar's aggregate classification.
Comment: This variant is classified as likely benign based on ACMG/AMP sequence variant interpretation guidelines (Richards et al. 2015 PMID: 25741868, with internal and published modifications).

NM_001378778.1(MPDZ):c.75G>C (p.Gly25=)

Gene: MPDZ (multiple PDZ domain crumbs cell polarity complex component; minus strand). Cytogenetic location: 9p23.
Variant type: single nucleotide variant.
Coding change: c.75G>C on transcript NM_001378778.1 (MANE Select); coding-DNA position 75, G replaced by C.
Protein change: p.Gly25=; no amino-acid change (glycine 25 retained).
Molecular consequence: synonymous variant.
Genome position (GRCh38, 1-based): chr9:13,247,743, C>G on the plus strand (G>C on the coding strand, the complement: MPDZ is on the minus strand). VCF-style: chr9-13247743-C-G. GRCh37 (hg19) VCF-style: chr9-13247742-C-G.
Other names: c.75G>C, p.Gly25= (NM_001261406.2, NM_001261407.2, NM_001330637.2 and 14 more transcripts); c.75G>C (NM_003829.4).
Identifiers: ClinVar variation 1595249 (VCV001595249.11), dbSNP rs535080740, ClinGen allele CA4988247.
Genomic context (GRCh38, chr9:13,247,743, plus strand): 5'-GAAGAGAGGGCTCTGCAGGACTGACTTCAGAAGGCTCAGTTTGTCTTCATTTGCTACATC[C>G]CCACGTTCTCGCAGCTTGGTTTGCAAGCGCTCTGCTGCATGCAGGGCCCGATTTTTGTCT-3'
Protein context (NP_001365707.1, residues 15-35): ERLQTKLRER[Gly25=]DVANEDKLSL